The following is an entry in ClinVar:

NM_000090.4(COL3A1):c.695A>G (p.Glu232Gly)

Gene: COL3A1 (collagen type III alpha 1 chain; plus strand). Cytogenetic location: 2q32.2.
Variant type: single nucleotide variant.
Coding change: c.695A>G on transcript NM_000090.4 (MANE Select); coding-DNA position 695, A replaced by G.
Protein change: p.Glu232Gly; replaces glutamic acid 232 with glycine.
Molecular consequence: missense variant.
Genome position (GRCh38, 1-based): chr2:188,990,100, A>G. VCF-style: chr2-188990100-A-G. GRCh37 (hg19) VCF-style: chr2-189854826-A-G.
Other names: short protein forms E232G.
Identifiers: ClinVar variation 4525862 (VCV004525862.1).
Genomic context (GRCh38, chr2:188,990,100, plus strand): 5'-CTACAATGTATTTTCTCATACATGAGCACCTACGTATTCTTTATTTCTCTACCTAGGGAG[A>G]ATCAGGTAGACCCGGACGACCTGGAGAGCGAGGATTGCCTGGACCTCCAGTGAGTCTTCA-3'
Protein context (NP_000081.2, residues 222-242): GPSGPAGKDG[Glu232Gly]SGRPGRPGER

ClinVar aggregate classification (germline): Uncertain significance (1 of 4 stars; one submission).

Submission:

Women's Health and Genetics/Laboratory Corporation of America, LabCorp
Classification: Uncertain significance. Last evaluated: 2025-07-16. Review status: criteria provided, single submitter. Criteria: LabCorp Variant Classification Summary - May 2015. Collection method: clinical testing. Allele origin: germline.
Comment: Variant summary: COL3A1 c.695A>G (p.Glu232Gly) results in a non-conservative amino acid change in the encoded protein sequence. Algorithms developed to predict the effect of missense changes on protein structure and function all suggest that this variant is likely to be disruptive. The variant was absent in 250822 control chromosomes. The available data on variant occurrences in the general population are insufficient to allow any conclusion about variant significance. To our knowledge, no occurrence of c.695A>G in individuals affected with Polymicrogyria with or without vascular-type Ehlers-Danlos syndrome and no experimental evidence demonstrating its impact on protein function have been reported. No submitters have cited clinical-significance assessments for this variant to ClinVar. Based on the evidence outlined above, the variant was classified as uncertain significance.